The following is an entry in ClinVar:

ClinVar aggregate classification (germline): Uncertain significance (1 of 4 stars; one submission).

Submission:

Labcorp Genetics (formerly Invitae), Labcorp
Classification: Uncertain significance. Last evaluated: 2022-08-16. Review status: criteria provided, single submitter. Criteria: Invitae Variant Classification Sherloc (09022015). Collection method: clinical testing. Allele origin: germline.
Comment: In summary, the available evidence is currently insufficient to determine the role of this variant in disease. Therefore, it has been classified as a Variant of Uncertain Significance. Algorithms developed to predict the effect of missense changes on protein structure and function output the following: SIFT: "Tolerated"; PolyPhen-2: "Benign"; Align-GVGD: "Class C0". The leucine amino acid residue is found in multiple mammalian species, which suggests that this missense change does not adversely affect protein function. ClinVar contains an entry for this variant (Variation ID: 1363834). This variant has not been reported in the literature in individuals affected with C6-related conditions. This variant is not present in population databases (gnomAD no frequency). This sequence change replaces isoleucine, which is neutral and non-polar, with leucine, which is neutral and non-polar, at codon 97 of the C6 protein (p.Ile97Leu).

NM_000065.5(C6):c.289A>C (p.Ile97Leu)

Gene: C6 (complement C6; minus strand). Cytogenetic location: 5p13.1.
Variant type: single nucleotide variant.
Coding change: c.289A>C on transcript NM_000065.5 (MANE Select); coding-DNA position 289, A replaced by C.
Protein change: p.Ile97Leu; replaces isoleucine 97 with leucine.
Molecular consequence: missense variant.
Genome position (GRCh38, 1-based): chr5:41,201,569, T>G on the plus strand (A>C on the coding strand, the complement: C6 is on the minus strand). VCF-style: chr5-41201569-T-G. GRCh37 (hg19) VCF-style: chr5-41201671-T-G.
Other names: c.289A>C, p.Ile97Leu (NM_001115131.4); short protein forms I97L.
Identifiers: ClinVar variation 1363834 (VCV001363834.8), dbSNP rs2150365839, ClinGen allele CA359605113.